The following is an entry in ClinVar:

ClinVar aggregate classification (germline): Uncertain significance (1 of 4 stars; one submission).

Allele frequency attached by ClinVar (database versions not stated): gnomAD 0.00001; TOPMed 0.00001; ExAC 0.00002.
gnomAD v4.1: 11 of 1,613,542 alleles (0.00068%); highest among the groups gnomAD compares: Non-Finnish European, 0.00093%; no homozygotes.

Submission:

Labcorp Genetics (formerly Invitae), Labcorp
Classification: Uncertain significance. Last evaluated: 2022-07-05. Review status: criteria provided, single submitter. Criteria: Invitae Variant Classification Sherloc (09022015). Collection method: clinical testing. Allele origin: germline.
Comment: In summary, the available evidence is currently insufficient to determine the role of this variant in disease. Therefore, it has been classified as a Variant of Uncertain Significance. Algorithms developed to predict the effect of missense changes on protein structure and function are either unavailable or do not agree on the potential impact of this missense change (SIFT: "Deleterious"; PolyPhen-2: "Probably Damaging"; Align-GVGD: "Class C0"). This variant has not been reported in the literature in individuals affected with SBF1-related conditions. This variant is present in population databases (rs774394154, gnomAD 0.002%). This sequence change replaces arginine, which is basic and polar, with cysteine, which is neutral and slightly polar, at codon 1070 of the SBF1 protein (p.Arg1070Cys).

NM_002972.4(SBF1):c.3208C>T (p.Arg1070Cys)

Gene: SBF1 (SET binding factor 1; minus strand). Cytogenetic location: 22q13.33.
Variant type: single nucleotide variant.
Coding change: c.3208C>T on transcript NM_002972.4 (MANE Select); coding-DNA position 3208, C replaced by T.
Protein change: p.Arg1070Cys; replaces arginine 1070 with cysteine.
Molecular consequence: missense variant.
Genome position (GRCh38, 1-based): chr22:50,460,347, G>A on the plus strand (C>T on the coding strand, the complement: SBF1 is on the minus strand). VCF-style: chr22-50460347-G-A. GRCh37 (hg19) VCF-style: chr22-50898776-G-A.
Other names: c.3211C>T, p.Arg1071Cys (NM_001365819.1, NM_001410794.1); c.3208C>T, p.Arg1070Cys (NM_001410795.1, NM_197971.1); short protein forms R1070C, R1071C.
Identifiers: ClinVar variation 1962202 (VCV001962202.5), dbSNP rs774394154, ClinGen allele CA10316826.
Genomic context (GRCh38, chr22:50,460,347, plus strand): 5'-CCTGGTCCTCAGGGGGCGGCTGGCCCCGGTGCTCCCAGCTGGGGGGGTTGTACTTCTTGC[G>A]AGTGACATGCTGCCGCCCGATGGTCTTCTTGGCGTTCTTGACCAGGTTCCGGGACAGGGT-3'
Protein context (NP_002963.2, residues 1060-1080): KKTIGRQHVT[Arg1070Cys]KKYNPPSWEH